The following is an entry in ClinVar:

NM_006015.6(ARID1A):c.2621A>G (p.Asn874Ser)

Gene: ARID1A (AT-rich interaction domain 1A; plus strand). Cytogenetic location: 1p36.11.
Variant type: single nucleotide variant.
Coding change: c.2621A>G on transcript NM_006015.6 (MANE Select); coding-DNA position 2621, A replaced by G.
Protein change: p.Asn874Ser; replaces asparagine 874 with serine.
Molecular consequence: missense variant.
Genome position (GRCh38, 1-based): chr1:26,763,174, A>G. VCF-style: chr1-26763174-A-G. GRCh37 (hg19) VCF-style: chr1-27089665-A-G.
Other names: c.2621A>G, p.Asn874Ser (NM_139135.4); short protein forms N874S.
Identifiers: ClinVar variation 3061518 (VCV003061518.3), dbSNP rs140123561, ClinGen allele CA707038.

ClinVar aggregate classification (germline): Likely benign. Review status: criteria provided, single submitter (1 of 4 stars). 2 submissions from 2 submitters: Likely benign (1). 1 of the submissions does not count toward it. Last evaluated 2025-06-11.

Conditions:
ARID1A-related disorder. Also called: ARID1A-related condition.

Allele frequency attached by ClinVar (database versions not stated): gnomAD exomes 0.00002; TOPMed 0.00002; ExAC 0.00004; gnomAD 0.00005; ESP Exome Variant Server 0.00008.

Submissions (2):

Labcorp Genetics (formerly Invitae), Labcorp
Classification: Likely benign. Last evaluated: 2025-06-11. Review status: criteria provided, single submitter. Criteria: Invitae Variant Classification Sherloc (09022015). Collection method: clinical testing. Allele origin: germline.

PreventionGenetics, part of Exact Sciences
Classification: Likely benign for ARID1A-related condition. Last evaluated: 2023-10-21. Review status: no assertion criteria provided. Collection method: clinical testing. Allele origin: germline. Not counted in ClinVar's aggregate classification.
Comment: This variant is classified as likely benign based on ACMG/AMP sequence variant interpretation guidelines (Richards et al. 2015 PMID: 25741868, with internal and published modifications).